The following is an entry in ClinVar:

NM_004859.4(CLTC):c.3647TGT[1] (p.Leu1217del)

Gene: CLTC (clathrin heavy chain; plus strand). Cytogenetic location: 17q23.1.
Variant type: Microsatellite.
Coding change: c.3647TGT[1] on transcript NM_004859.4 (MANE Select); one copy of the 3-base unit TGT starting at c.3647; the reference has two copies in a row; one copy, 3 bases deleted; also written c.3650_3652del.
Protein change: p.Leu1217del; deletes leucine 1217.
Molecular consequence: inframe deletion.
Genome position (GRCh38, 1-based): chr17:59,682,678-59,682,680, TGT deleted; deleting any 3 consecutive bases within chr17:59,682,673-59,682,680 gives the same sequence; the position shown is the placement nearest the transcript's 3' end. VCF-style (leftmost placement, unchanged base first): chr17-59682672-AGTT-A. GRCh37 (hg19) VCF-style: chr17-57760033-AGTT-A.
Other names: c.3650_3652del (NM_004859.3, NM_004859.4); c.3659TGT[1], p.Leu1221del (NM_001288653.2); short protein forms L1217del, L1221del.
Identifiers: ClinVar variation 2572399 (VCV002572399.2), dbSNP rs2509153473, ClinGen allele CA2580613176.
Genomic context (GRCh38, chr17:59,682,672, plus strand): 5'-TACCTTTTTTTTTCCAGGTTGGTGACCGTTGTTATGATGAAAAAATGTATGATGCTGCTA[AGTT>A]GTTGTACAATAATGTTTCCAATTTTGGACGTTTGGCATCTACCCTGGTTCACCTGGGTGA-3'

ClinVar aggregate classification (germline): Likely pathogenic. Review status: criteria provided, multiple submitters, no conflicts (2 of 4 stars). 2 submissions from 2 submitters: Likely pathogenic (2). Last evaluated 2024-01-12.

Conditions:
Intellectual developmental disorder, autosomal dominant 56. Also called: MENTAL RETARDATION, AUTOSOMAL DOMINANT 56; Intellectual disability, autosomal dominant 56. Identifiers: MedGen C4693389, MONDO:0030922, OMIM 617854.

Submissions (2):

New York Genome Center
Classification: Likely pathogenic for Intellectual developmental disorder, autosomal dominant 56. Last evaluated: 2024-01-12. Review status: criteria provided, single submitter. Criteria: NYGC Assertion Criteria 2020. Collection method: clinical testing. Allele origin: de novo. Affected: yes. Observed: 1 variant allele, 1 heterozygote.
Comment: The c.3650_3652del variant in CLTC has previously been reportedly identified de novo in an individual with CLTC-related neurodevelopmental disorder [PMID:34230591] and it has been deposited in ClinVar [ClinVar ID: 2572399] as Likely Pathogenic with affected status provided. The c.3650_3652del variant is absent from population databases (gnomAD v4.0.0, TOPMed Freeze 10, All of Us), suggesting it is not a common benign variant in the populations represented in those databases. The c.3650_3652del variant is located in exon 23 of 32 of CLTC, and is predicted to result in inframe deletion of one amino acid (p.(Leu1217del)) in one of the clathrin repeats involved in binding clathrin light chain [UniProt ID:Q00610]. Other nearby inframe single amino acid deletions (c.3621_3623delTGA:p.(Asp1207del)) have also been reported in individuals affected with CLTC-related neurodevelopmental disorder [PMID: 29100083, 31776469]. Based on available evidence, this de novo c.3650_3652del p.(Leu1217del) variant identified in the CLTC is classified as Likely Pathogenic.

3billion
Classification: Likely pathogenic for Intellectual developmental disorder, autosomal dominant 56. Review status: criteria provided, single submitter. Criteria: ACMG Guidelines, 2015. Collection method: clinical testing. Allele origin: unknown. Affected: yes. Observed: 1 heterozygote.
Comment: The variant is not observed in the gnomAD v2.1.1 dataset. Inframe deletion located in a nonrepeat region: predicted to change the length of the protein and disrupt normal protein function. The variant has been previously reported as de novo in a similarly affected individual (PMID: 34230591, 34230591). The variant has been reported to be associated with CLTC related disorder (PMID: 34230591). Therefore, this variant is classified as Likely pathogenic according to the recommendation of ACMG/AMP guideline.

Literature cited by the submitters: PubMed 34230591 (cited by 3billion).